The following is an entry in ClinVar:

NM_001271.4(CHD2):c.3385G>A (p.Glu1129Lys)

Gene: CHD2 (chromodomain helicase DNA binding protein 2; plus strand). Cytogenetic location: 15q26.1.
Variant type: single nucleotide variant.
Coding change: c.3385G>A on transcript NM_001271.4 (MANE Select); coding-DNA position 3385, G replaced by A.
Protein change: p.Glu1129Lys; replaces glutamic acid 1129 with lysine.
Molecular consequence: missense variant.
Genome position (GRCh38, 1-based): chr15:92,985,645, G>A. VCF-style: chr15-92985645-G-A. GRCh37 (hg19) VCF-style: chr15-93528875-G-A.
Other names: short protein forms E1129K.
Identifiers: ClinVar variation 4976271 (VCV004976271.1).

ClinVar aggregate classification (germline): Uncertain significance (1 of 4 stars; one submission).

Submission:

GeneDx
Classification: Uncertain significance. Last evaluated: 2026-02-04. Review status: criteria provided, single submitter. Criteria: GeneDx Variant Classification Process June 2021. Collection method: clinical testing. Allele origin: germline.
Comment: Not observed at significant frequency in large population cohorts (gnomAD); In silico analysis suggests that this missense variant does not alter protein structure/function; Has not been previously published as pathogenic or benign to our knowledge